The following is an entry in ClinVar:

NC_000016.9:g.(89866047_89869666)_(89877480_89880927)del

Gene: FANCA (FA complementation group A; minus strand). Cytogenetic location: 16q24.3.
Variant type: Deletion.
Identifiers: ClinVar variation 2501038 (VCV002501038.1).

ClinVar aggregate classification (germline): Likely pathogenic (1 of 4 stars; one submission).

Conditions:
Fanconi anemia (FA). Also called: Fanconi's anemia. Identifiers: Orphanet 84, MedGen C0015625, MeSH D005199, MONDO:0019391.

Submission:

Women's Health and Genetics/Laboratory Corporation of America, LabCorp
Classification: Likely pathogenic for Fanconi anemia. Last evaluated: 2023-03-15. Review status: criteria provided, single submitter. Criteria: LabCorp Variant Classification Summary - May 2015. Collection method: clinical testing. Allele origin: germline.
Comment: Variant summary: The variant identified by MLPA or other technology involves the deletion of exons 4-8 in the FANCA gene. A presumed nomenclature of c.(283+1_284-1)_(792+1_793-1)del has been designated for the purposes of this classification. Although exact breakpoints of this deletion are not known, it is expected to result in a frameshift in the FANCA gene, a known mechanism of disease. The variant was absent in 21694 control chromosomes in the gnomAD database (structural variants dataset). To our knowledge, no occurrence of c.(283+1_284-1)_(792+1_793-1)del in individuals affected with Fanconi Anemia and no experimental evidence demonstrating its impact on protein function have been reported. One submitter has provided clinical-significance assessments for this variant to ClinVar after 2014 without evidence for independent evaluation and classified the variant as pathogenic. Based on the evidence outlined above, the variant was classified as likely pathogenic.